The following is an entry in ClinVar:

ClinVar aggregate classification (germline): Uncertain significance. Review status: criteria provided, multiple submitters, no conflicts (2 of 4 stars). 2 submissions from 2 submitters: Uncertain significance (2). Last evaluated 2023-09-13.

Conditions:
Fanconi anemia (FA). Also called: Fanconi's anemia. Identifiers: Orphanet 84, MedGen C0015625, MeSH D005199, MONDO:0019391.

Allele frequency attached by ClinVar (database versions not stated): gnomAD exomes below 0.00001; ExAC 0.00001.
gnomAD v4.1: 2 of 1,597,380 alleles (0.00013%); highest among the groups gnomAD compares: Admixed American, 0.0033%; no homozygotes.

Submissions (2):

GeneDx
Classification: Uncertain significance. Last evaluated: 2023-09-13. Review status: criteria provided, single submitter. Criteria: GeneDx Variant Classification Process June 2021. Collection method: clinical testing. Allele origin: germline.
Comment: Not observed at significant frequency in large population cohorts (gnomAD); In silico analysis supports that this variant does not alter splicing; Has not been previously published as pathogenic or benign to our knowledge

Labcorp Genetics (formerly Invitae), Labcorp
Classification: Uncertain significance for Fanconi anemia. Last evaluated: 2023-08-09. Review status: criteria provided, single submitter. Criteria: Invitae Variant Classification Sherloc (09022015). Collection method: clinical testing. Allele origin: germline.
Comment: Variants that disrupt the consensus splice site are a relatively common cause of aberrant splicing (PMID: 17576681, 9536098). Algorithms developed to predict the effect of sequence changes on RNA splicing suggest that this variant is not likely to affect RNA splicing. This sequence change falls in intron 20 of the FANCM gene. It does not directly change the encoded amino acid sequence of the FANCM protein. It affects a nucleotide within the consensus splice site. This variant is present in population databases (rs767306576, gnomAD 0.006%). This variant has not been reported in the literature in individuals affected with FANCM-related conditions. In summary, the available evidence is currently insufficient to determine the role of this variant in disease. Therefore, it has been classified as a Variant of Uncertain Significance.

Literature cited by the submitters: PubMed 17576681 (cited by Labcorp Genetics (formerly Invitae), Labcorp); PubMed 9536098 (cited by Labcorp Genetics (formerly Invitae), Labcorp).

NM_020937.4(FANCM):c.5340+4T>C

Gene: FANCM (FA complementation group M; plus strand). Cytogenetic location: 14q21.2.
Variant type: single nucleotide variant.
Coding change: c.5340+4T>C on transcript NM_020937.4 (MANE Select); 4 bases into the intron after coding-DNA position 5340, T replaced by C.
Molecular consequence: intron variant.
Genome position (GRCh38, 1-based): chr14:45,189,366, T>C. VCF-style: chr14-45189366-T-C. GRCh37 (hg19) VCF-style: chr14-45658569-T-C.
Other names: c.5262+4T>C (NM_001308133.2).
Identifiers: ClinVar variation 2576744 (VCV002576744.5), dbSNP rs767306576, ClinGen allele CA7169965.